The following is an entry in ClinVar:

ClinVar aggregate classification (germline): Conflicting classifications of pathogenicity. Review status: criteria provided, conflicting classifications (1 of 4 stars). 2 submissions from 2 submitters: Likely pathogenic (1); Uncertain significance (1). Last evaluated 2023-07-25.

Conditions:
Congenital contractural arachnodactyly (CCA). Also called: BEALS SYNDROME; Beals-Hecht syndrome; Arthrogryposis, distal, type 9. Identifiers: Orphanet 115, MedGen C0220668, MONDO:0007363, OMIM 121050.
Marfan syndrome (MFS). Also called: MARFAN SYNDROME, TYPE I; Marfan syndrome type 1; Marfan's syndrome; Marfan syndrome, classic; FBN1-Related Marfan Syndrome. Identifiers: Orphanet 284963, Orphanet 558, MedGen C0024796, MONDO:0007947, OMIM 154700.

Submissions (2):

Labcorp Genetics (formerly Invitae), Labcorp
Classification: Likely pathogenic for Congenital contractural arachnodactyly. Last evaluated: 2023-07-25. Review status: criteria provided, single submitter. Criteria: Invitae Variant Classification Sherloc (09022015). Collection method: clinical testing. Allele origin: germline.
Comment: In summary, the currently available evidence indicates that the variant is pathogenic, but additional data are needed to prove that conclusively. Therefore, this variant has been classified as Likely Pathogenic. This variant affects a cysteine residue located within an epidermal growth factor (EGF)–like domain of the FBN2 protein. Cysteine residues in these domains are involved in the formation of disulfide bridges critical for protein structure and stability (PMID: 3495735, 4750422, 16677079). In addition, missense substitutions within the FBN2 EGF-like domains affecting cysteine residues are overrepresented in patients with congenital contractural arachnodactyly (PMID: 18767143). Advanced modeling of protein sequence and biophysical properties (such as structural, functional, and spatial information, amino acid conservation, physicochemical variation, residue mobility, and thermodynamic stability) performed at Invitae indicates that this missense variant is expected to disrupt FBN2 protein function. This variant has not been reported in the literature in individuals affected with FBN2-related conditions. This variant is not present in population databases (gnomAD no frequency). This sequence change replaces cysteine, which is neutral and slightly polar, with arginine, which is basic and polar, at codon 1323 of the FBN2 protein (p.Cys1323Arg).

Genetics and Molecular Pathology, SA Pathology
Classification: Uncertain significance for Marfan syndrome. Last evaluated: 2023-03-23. Review status: criteria provided, single submitter. Criteria: ACMG Guidelines, 2015. Collection method: clinical testing. Allele origin: germline. Affected: yes.
Comment: The FBN2 c.3967T>C variant is classified as VUS (PM2, PM5, PP3) The FBN2 c.3967T>C variant is a single nucleotide change in exon 30/65 of the FBN2 gene, which is predicted to change the amino acid cysteine at position 1323 in the protein to arginine. This variant is absent from population databases (PM2). This variant has not been reported in dbSNP, ClinVar or HGMD but is a novel missense change at an amino acid residue where a different missense change has been seen before (PM5). p.Cys1323Gly and p.Cys1323Ser have been reported as Pathogenic/Likely Pathogenic in individuals with congenital contractural arachnodactyly and distal arthrogryposis (ClinVar#640396/1806068 HGMD#CM2119756). Correlation with this patients phenotype is required to enable further classification of this variant. Computational predictions support a deleterious effect on the gene or gene product (PP3).

Literature cited by the submitters: PubMed 3495735 (cited by Labcorp Genetics (formerly Invitae), Labcorp); PubMed 4750422 (cited by Labcorp Genetics (formerly Invitae), Labcorp); PubMed 16677079 (cited by Labcorp Genetics (formerly Invitae), Labcorp); PubMed 18767143 (cited by Labcorp Genetics (formerly Invitae), Labcorp).

NM_001999.4(FBN2):c.3967T>C (p.Cys1323Arg)

Gene: FBN2 (fibrillin 2; minus strand). Cytogenetic location: 5q23.3.
Variant type: single nucleotide variant.
Coding change: c.3967T>C on transcript NM_001999.4 (MANE Select); coding-DNA position 3967, T replaced by C.
Protein change: p.Cys1323Arg; replaces cysteine 1323 with arginine.
Molecular consequence: missense variant.
Genome position (GRCh38, 1-based): chr5:128,335,176, A>G on the plus strand (T>C on the coding strand, the complement: FBN2 is on the minus strand). VCF-style: chr5-128335176-A-G. GRCh37 (hg19) VCF-style: chr5-127670868-A-G.
Other names: short protein forms C1323R.
Identifiers: ClinVar variation 2664728 (VCV002664728.4), dbSNP rs1581223990, ClinGen allele CA360757296.